The following is an entry in ClinVar:

ClinVar aggregate classification (germline): Pathogenic (1 of 4 stars; one submission).

Conditions:
Hypertrophic cardiomyopathy 26. Also called: Cardiomyopathy, familial hypertrophic, 26. Identifiers: Orphanet 75249, MedGen C4310749, MONDO:0014883, OMIM 617047.
Myofibrillar myopathy 5. Also called: Filaminopathy (type); FILAMINOPATHY, AUTOSOMAL DOMINANT. Identifiers: Orphanet 171445, MedGen C1836050, MONDO:0012289, OMIM 609524.
Distal myopathy with posterior leg and anterior hand involvement. Also called: WILLIAMS DISTAL MYOPATHY. Identifiers: Orphanet 63273, MedGen C3279722, MONDO:0013550, OMIM 614065.

Submission:

Labcorp Genetics (formerly Invitae), Labcorp
Classification: Pathogenic for Distal myopathy with posterior leg and anterior hand involvement; Myofibrillar myopathy 5; Hypertrophic cardiomyopathy 26. Last evaluated: 2023-02-14. Review status: criteria provided, single submitter. Criteria: Invitae Variant Classification Sherloc (09022015). Collection method: clinical testing. Allele origin: germline.
Comment: This variant is not present in population databases (gnomAD no frequency). This variant has not been reported in the literature in individuals affected with FLNC-related conditions. This variant disrupts a region of the FLNC protein in which other variant(s) (p.Gly2320Arg) have been determined to be pathogenic (Invitae). This suggests that this is a clinically significant region of the protein, and that variants that disrupt it are likely to be disease-causing. For these reasons, this variant has been classified as Pathogenic. This variant results in the deletion of exon 41 and part of exon 42 (c.6727+21_7065del) of the FLNC gene. It is expected to disrupt RNA splicing. Variants that disrupt the donor or acceptor splice site typically lead to a loss of protein function (PMID: 16199547), and loss-of-function variants in FLNC are known to be pathogenic (PMID: 27908349).

Literature cited by the submitters: PubMed 16199547; PubMed 27908349.

NM_001458.5(FLNC):c.6727+21_7065del

Genes: FLNC-AS1 (FLNC antisense RNA 1; minus strand), FLNC (filamin C; plus strand). Cytogenetic location: 7q32.1.
Variant type: Deletion.
Coding change: c.6727+21_7065del on transcript NM_001458.5 (MANE Select); 21 bases into the intron after coding-DNA position 6727 through coding-DNA position 7065, 606 bases deleted.
Molecular consequence: splice acceptor variant, splice donor variant.
Genome position (GRCh38, 1-based): chr7:128,854,237-128,854,842, 606 bases deleted. GRCh37 (hg19): chr7:128,494,291-128,494,896.
Other names: c.6628+21_6966del (NM_001127487.2).
Identifiers: ClinVar variation 2944299 (VCV002944299.3), dbSNP rs2536664215, ClinGen allele CA2740094872.